The following is an entry in ClinVar:

ClinVar aggregate classification (germline): Benign. Review status: criteria provided, multiple submitters, no conflicts (2 of 4 stars). 6 submissions from 5 submitters: Benign (6). Last evaluated 2025-01-28.

Conditions:
Charcot-Marie-Tooth disease type 4J (CMT4J). Also called: CHARCOT-MARIE-TOOTH DISEASE, AUTOSOMAL RECESSIVE, TYPE 4J; Charcot-Marie-Tooth Neuropathy Type 4J; CHARCOT-MARIE-TOOTH DISEASE, DEMYELINATING, TYPE 4J. Identifiers: Orphanet 139515, MedGen C1970011, MONDO:0012640, OMIM 611228.
Charcot-Marie-Tooth disease type 4. Also called: Charcot-Marie-Tooth, Type 4; Charcot-Marie-Tooth disease, type IV. Identifiers: Orphanet 64749, MedGen C4082197, MONDO:0018995.
Charcot-Marie-Tooth disease. Also called: Charcot-Marie-Tooth Neuropathy; Charcot-Marie-Tooth Hereditary Neuropathy. Identifiers: Orphanet 166, MedGen C0007959, MONDO:0015626.
Amyotrophic lateral sclerosis type 11 (ALS11). Identifiers: Orphanet 803, MedGen C2675491, MONDO:0012945, OMIM 612577.

Allele frequency attached by ClinVar (database versions not stated): gnomAD exomes 0.00569 and 0.01401; ESP Exome Variant Server 0.01053; gnomAD 0.01145 and 0.01233; ExAC 0.01368; TOPMed 0.01486; 1000 Genomes Project 30x 0.03232; 1000 Genomes Project 0.03474.
gnomAD v4.1: 10,321 of 1,613,152 alleles (0.64%); highest among the groups gnomAD compares: East Asian, 14%; 475 homozygotes.

Submissions (6):

Labcorp Genetics (formerly Invitae), Labcorp
Classification: Benign for Charcot-Marie-Tooth disease type 4. Last evaluated: 2025-01-28. Review status: criteria provided, single submitter. Criteria: Invitae Variant Classification Sherloc (09022015). Collection method: clinical testing. Allele origin: germline.

Illumina Laboratory Services, Illumina
Classification: Benign for Charcot-Marie-Tooth disease type 4J. Last evaluated: 2018-01-13. Review status: criteria provided, single submitter. Criteria: ICSL Variant Classification Criteria 13 December 2019. Collection method: clinical testing. Allele origin: germline.
Comment: This variant was observed in the ICSL laboratory as part of a predisposition screen in an ostensibly healthy population. It had not been previously curated by ICSL or reported in the Human Gene Mutation Database (HGMD: prior to June 1st, 2018), and was therefore a candidate for classification through an automated scoring system. Utilizing variant allele frequency, disease prevalence and penetrance estimates, and inheritance mode, an automated score was calculated to assess if this variant is too frequent to cause the disease. Based on the score and internal cut-off values, a variant classified as benign is not then subjected to further curation. The score for this variant resulted in a classification of benign for this disease.

Illumina Laboratory Services, Illumina
Classification: Benign for Amyotrophic lateral sclerosis type 11. Last evaluated: 2018-01-13. Review status: criteria provided, single submitter. Criteria: ICSL Variant Classification Criteria 13 December 2019. Collection method: clinical testing. Allele origin: germline.
Comment: the same text as in the submission from Illumina Laboratory Services, Illumina above.

Mayo Clinic Laboratories, Mayo Clinic
Classification: Benign. Last evaluated: 2016-08-31. Review status: criteria provided, single submitter. Criteria: ACMG Guidelines, 2015. Collection method: clinical testing. Allele origin: germline. Observed: 23 variant alleles.

GeneDx
Classification: Benign. Last evaluated: 2015-03-03. Review status: criteria provided, single submitter. Criteria: GeneDx Variant Classification Process June 2021. Collection method: clinical testing. Allele origin: germline. Affected: yes.

Molecular Genetics Laboratory, London Health Sciences Centre
Classification: Benign for Charcot-Marie-Tooth disease. Review status: criteria provided, single submitter. Criteria: ACMG Guidelines, 2015. Collection method: clinical testing. Allele origin: germline. Affected: yes.

NM_014845.6(FIG4):c.*7C>T

Gene: FIG4 (FIG4 phosphoinositide 5-phosphatase; plus strand). Cytogenetic location: 6q21.
Variant type: single nucleotide variant.
Coding change: c.*7C>T on transcript NM_014845.6 (MANE Select); 7 bases downstream of the stop codon, C replaced by T.
Molecular consequence: 3 prime UTR variant.
Genome position (GRCh38, 1-based): chr6:109,825,272, C>T. VCF-style: chr6-109825272-C-T. GRCh37 (hg19) VCF-style: chr6-110146475-C-T.
Identifiers: ClinVar variation 355050 (VCV000355050.11), dbSNP rs113946190, ClinGen allele CA3956494.
Genomic context (GRCh38, chr6:109,825,272, plus strand): 5'-GGAAAAGAGGACTCCTCCATGTACCGAGAGTACATCAGGAACCGCTACCTGTGAAAAGAG[C>T]GCAGGTCCACCTGGTGGACACGTCTGATTAGCTTAGAACCTGTCTTGTCTCATCTTCAAA-3'